The following is an entry in ClinVar:

NM_005360.5(MAF):c.1037A>G (p.Glu346Gly)

Gene: MAF (MAF bZIP transcription factor; minus strand). Cytogenetic location: 16q23.2.
Variant type: single nucleotide variant.
Coding change: c.1037A>G on transcript NM_005360.5 (MANE Select); coding-DNA position 1037, A replaced by G.
Protein change: p.Glu346Gly; replaces glutamic acid 346 with glycine.
Molecular consequence: missense variant.
Genome position (GRCh38, 1-based): chr16:79,598,866, T>C on the plus strand (A>G on the coding strand, the complement: MAF is on the minus strand). VCF-style: chr16-79598866-T-C. GRCh37 (hg19) VCF-style: chr16-79632763-T-C.
Other names: c.1037A>G, p.Glu346Gly (NM_001031804.3); short protein forms E346G.
Identifiers: ClinVar variation 1312221 (VCV001312221.2), dbSNP rs1913768733, ClinGen allele CA396534681.
Genomic context (GRCh38, chr16:79,598,866, plus strand): 5'-GGGTTGTCGCTGCTCGAGCCGTTTTCTCGGAAGCCGCTGCTCACCAACTTCTCGTATTTC[T>C]CCTTGTACGCGTCCCTCTCGCGCACCAGCCTGGAGATCTCCTGCTTGAGGTGGTCGACTT-3'
Protein context (NP_005351.2, residues 336-356): RLVRERDAYK[Glu346Gly]KYEKLVSSGF

ClinVar aggregate classification (germline): Uncertain significance (1 of 4 stars; one submission).

Submission:

GeneDx
Classification: Uncertain significance. Last evaluated: 2019-09-23. Review status: criteria provided, single submitter. Criteria: GeneDx Variant Classification Process June 2021. Collection method: clinical testing. Allele origin: germline. Affected: yes.
Comment: Not observed in large population cohorts (Lek et al., 2016); In silico analysis, which includes protein predictors and evolutionary conservation, supports a deleterious effect; Has not been previously published as pathogenic or benign to our knowledge